The following is an entry in ClinVar:

NM_004360.5(CDH1):c.1097_1112del (p.Thr366fs)

Gene: CDH1 (cadherin 1; plus strand). Cytogenetic location: 16q22.1.
Variant type: Deletion.
Coding change: c.1097_1112del on transcript NM_004360.5 (MANE Select); coding-DNA positions 1097 to 1112, 16 bases deleted (CTGACACCAACGATAA).
Protein change: p.Thr366fs; shifts the reading frame from threonine 366.
Molecular consequence: frameshift variant. On other transcripts: 5 prime UTR variant (2).
Genome position (GRCh38, 1-based): chr16:68,812,223-68,812,238, CTGACACCAACGATAA deleted; deleting any 16 consecutive bases within chr16:68,812,222-68,812,238 gives the same sequence; the c. name uses the placement nearest the transcript's 3' end. VCF-style (leftmost placement, unchanged base first): chr16-68812221-CACTGACACCAACGATA-C. GRCh37 (hg19) VCF-style: chr16-68846124-CACTGACACCAACGATA-C.
Other names: c.1097_1112del, p.Thr366fs (NM_001317184.2); c.-519_-504del (NM_001317185.2); c.-723_-708del (NM_001317186.2); short protein forms T366fs.
Identifiers: ClinVar variation 2583763 (VCV002583763.2), dbSNP rs2543924410, ClinGen allele CA2582342576.

ClinVar aggregate classification (germline): Pathogenic (1 of 4 stars; one submission).

Conditions:
Hereditary diffuse gastric adenocarcinoma (HDGC). Also called: DIFFUSE GASTRIC AND LOBULAR BREAST CANCER SYNDROME. Identifiers: Orphanet 26106, MedGen C1708349, MONDO:0007648, OMIM 137215.

Submission:

Myriad Genetics, Inc.
Classification: Pathogenic for Hereditary diffuse gastric adenocarcinoma. Last evaluated: 2023-06-12. Review status: criteria provided, single submitter. Criteria: Myriad Autosomal Dominant, Autosomal Recessive and X-Linked Classification Criteria (2023). Collection method: clinical testing. Allele origin: unknown.
Comment: This variant is considered pathogenic. This variant creates a frameshift predicted to result in premature protein truncation.